The following is an entry in ClinVar:

NM_178844.4(NLRC3):c.1581C>T (p.Ala527=)

Gene: NLRC3 (NLR family CARD domain containing 3; minus strand). Cytogenetic location: 16p13.3.
Variant type: single nucleotide variant.
Coding change: c.1581C>T on transcript NM_178844.4 (MANE Select); coding-DNA position 1581, C replaced by T.
Protein change: p.Ala527=; no amino-acid change (alanine 527 retained).
Molecular consequence: synonymous variant. On other transcripts: non-coding transcript variant (1).
Genome position (GRCh38, 1-based): chr16:3,563,356, G>A on the plus strand (C>T on the coding strand, the complement: NLRC3 is on the minus strand). VCF-style: chr16-3563356-G-A. GRCh37 (hg19) VCF-style: chr16-3613357-G-A.
Identifiers: ClinVar variation 103356 (VCV000103356.2), dbSNP rs199475938, ClinGen allele CA230465.

ClinVar aggregate classification (germline): not provided (0 of 4 stars; one submission).

Allele frequency attached by ClinVar (database versions not stated): TOPMed 0.00012; gnomAD 0.00013; 1000 Genomes Project 30x 0.00031.
gnomAD v4.1: 150 of 1,590,308 alleles (0.0094%); highest among the groups gnomAD compares: East Asian, 0.3%; 1 homozygote.

Submission:

Human Evolutionary Genetics, Institut Pasteur
No classification provided. Review status: no classification provided. Collection method: not provided. Allele origin: germline.
ClinVar note: Converted during submission from untested to not provided.